The following is an entry in ClinVar:

ClinVar aggregate classification (germline): Uncertain significance (1 of 4 stars; one submission).

Conditions:
THOC2-related disorder. Also called: THOC2-related condition.

Submission:

PreventionGenetics, part of Exact Sciences
Classification: Uncertain significance for THOC2-related condition. Last evaluated: 2022-12-22. Review status: criteria provided, single submitter. Criteria: ACMG Guidelines, 2015. Collection method: clinical testing. Allele origin: germline.
Comment: The THOC2 c.13G>A variant is predicted to result in the amino acid substitution p.Ala5Thr. To our knowledge, this variant has not been reported in the literature or in a large population database, indicating this variant is rare. At this time, the clinical significance of this variant is uncertain due to the absence of conclusive functional and genetic evidence.

NM_001081550.2(THOC2):c.13G>A (p.Ala5Thr)

Genes: THOC2 (THO complex subunit 2; minus strand), LOC130068628 (ATAC-STARR-seq lymphoblastoid active region 29909; plus strand). Cytogenetic location: Xq25.
Variant type: single nucleotide variant.
Coding change: c.13G>A on transcript NM_001081550.2 (MANE Select); coding-DNA position 13, G replaced by A.
Protein change: p.Ala5Thr; replaces alanine 5 with threonine.
Molecular consequence: missense variant.
Genome position (GRCh38, 1-based): chrX:123,733,010, C>T on the plus strand (G>A on the coding strand, the complement: THOC2 is on the minus strand). VCF-style: chrX-123733010-C-T. GRCh37 (hg19) VCF-style: chrX-122866860-C-T.
Other names: short protein forms A5T.
Identifiers: ClinVar variation 2630004 (VCV002630004.1), dbSNP rs746970138, ClinGen allele CA414281810.